The following is an entry in ClinVar:

NM_015160.3(PMPCA):c.747C>T (p.Asp249=)

Genes: PMPCA (peptidase, mitochondrial processing subunit alpha; plus strand), LOC126860792 (CDK7 strongly-dependent group 2 enhancer GRCh37_chr9:139310410-139311609; plus strand). Cytogenetic location: 9q34.3.
Variant type: single nucleotide variant.
Coding change: c.747C>T on transcript NM_015160.3 (MANE Select); coding-DNA position 747, C replaced by T.
Protein change: p.Asp249=; no amino-acid change (aspartic acid 249 retained).
Molecular consequence: synonymous variant.
Genome position (GRCh38, 1-based): chr9:136,417,064, C>T. VCF-style: chr9-136417064-C-T. GRCh37 (hg19) VCF-style: chr9-139311516-C-T.
Other names: c.354C>T, p.Asp118= (NM_001282944.2); c.447C>T, p.Asp149= (NM_001282946.2).
Identifiers: ClinVar variation 795196 (VCV000795196.39), dbSNP rs142152064, ClinGen allele CA5336144.
Genomic context (GRCh38, chr9:136,417,064, plus strand): 5'-CGTAGCAAAGATCAACCGAGAGGTGCTGCATTCCTACCTGAGGAACTACTACACTCCCGA[C>T]CGCATGGTGCTGGCCGGCGTGGGCGTGGAGCACGAGCATCTGGTGGACTGTGCCCGGAAG-3'
Protein context (NP_055975.1, residues 239-259): HSYLRNYYTP[Asp249=]RMVLAGVGVE

ClinVar aggregate classification (germline): Benign/Likely benign. Review status: criteria provided, multiple submitters, no conflicts (2 of 4 stars). 2 submissions from 2 submitters: Benign (1); Likely benign (1). Last evaluated 2026-09-01.

Allele frequency attached by ClinVar (database versions not stated): 1000 Genomes Project 30x 0.00016; 1000 Genomes Project 0.00020; gnomAD 0.00020 and 0.00022; gnomAD exomes 0.00024 and 0.00032; TOPMed 0.00028; ExAC 0.00030; ESP Exome Variant Server 0.00031.
gnomAD v4.1: 400 of 1,614,040 alleles (0.025%); highest among the groups gnomAD compares: Middle Eastern, 0.18%; 1 homozygote.

Submissions (2):

CeGaT Center for Human Genetics Tuebingen
Classification: Likely benign. Last evaluated: 2026-09-01. Review status: criteria provided, single submitter. Criteria: CeGaT Center For Human Genetics Tuebingen Variant Classification Criteria Version 2. Collection method: clinical testing. Allele origin: germline. Affected: yes. Observed: 9 variant alleles.
Comment: PMPCA: BP4, BP7

Labcorp Genetics (formerly Invitae), Labcorp
Classification: Benign. Last evaluated: 2025-08-05. Review status: criteria provided, single submitter. Criteria: Invitae Variant Classification Sherloc (09022015). Collection method: clinical testing. Allele origin: germline.